The following is an entry in ClinVar:

NM_006648.4(WNK2):c.4370C>T (p.Thr1457Ile)

Gene: WNK2 (WNK lysine deficient protein kinase 2; plus strand). Cytogenetic location: 9q22.31.
Variant type: single nucleotide variant.
Coding change: c.4370C>T on transcript NM_006648.4 (MANE Select); coding-DNA position 4370, C replaced by T.
Protein change: p.Thr1457Ile; replaces threonine 1457 with isoleucine.
Molecular consequence: missense variant.
Genome position (GRCh38, 1-based): chr9:93,289,124, C>T. VCF-style: chr9-93289124-C-T. GRCh37 (hg19) VCF-style: chr9-96051406-C-T.
Other names: c.4481C>T, p.Thr1494Ile (NM_001282394.3); short protein forms T1457I, T1494I.
Identifiers: ClinVar variation 4605375 (VCV004605375.1).

ClinVar aggregate classification (germline): Uncertain significance (1 of 4 stars; one submission).

Submission:

Ambry Genetics
Classification: Uncertain significance. Last evaluated: 2025-11-20. Review status: criteria provided, single submitter. Criteria: Ambry Variant Classification Scheme 2023. Collection method: clinical testing. Allele origin: germline.
Comment: The p.T1457I variant (also known as c.4370C>T), located in coding exon 19 of the WNK2 gene, results from a C to T substitution at nucleotide position 4370. The threonine at codon 1457 is replaced by isoleucine, an amino acid with similar properties. This amino acid position is conserved. In addition, this alteration is predicted to be tolerated by in silico analysis. Based on the available evidence, the clinical significance of this variant remains unclear.